The following is an entry in ClinVar:

NM_005120.3(MED12):c.6015_6016delinsAA (p.Tyr2006Asn)

Gene: MED12 (mediator complex subunit 12; plus strand). Cytogenetic location: Xq13.1.
Variant type: Indel.
Coding change: c.6015_6016delinsAA on transcript NM_005120.3 (MANE Select); coding-DNA positions 6015 to 6016, CT replaced by AA.
Protein change: p.Tyr2006Asn; replaces tyrosine 2006 with asparagine.
Molecular consequence: missense variant.
Genome position (GRCh38, 1-based): chrX:71,137,914-71,137,915, CT replaced by AA. VCF-style: chrX-71137914-CT-AA. GRCh37 (hg19) VCF-style: chrX-70357764-CT-AA.
Other names: short protein forms Y2006N.
Identifiers: ClinVar variation 2865156 (VCV002865156.3), dbSNP rs2519715835, ClinGen allele CA2739273557.

ClinVar aggregate classification (germline): Uncertain significance (1 of 4 stars; one submission).

Conditions:
FG syndrome (FGS). Identifiers: MedGen C0220769, MONDO:0002010.

Submission:

Labcorp Genetics (formerly Invitae), Labcorp
Classification: Uncertain significance for FG syndrome. Last evaluated: 2023-05-17. Review status: criteria provided, single submitter. Criteria: Invitae Variant Classification Sherloc (09022015). Collection method: clinical testing. Allele origin: germline.
Comment: This sequence change replaces tyrosine, which is neutral and polar, with asparagine, which is neutral and polar, at codon 2006 of the MED12 protein (p.Tyr2006Asn). Information on the frequency of this variant in the gnomAD database is not available, as this variant may be reported differently in the database. This variant has not been reported in the literature in individuals affected with MED12-related conditions. Experimental studies and prediction algorithms are not available or were not evaluated, and the functional significance of this variant is currently unknown. In summary, the available evidence is currently insufficient to determine the role of this variant in disease. Therefore, it has been classified as a Variant of Uncertain Significance.